The following is an entry in ClinVar:

ClinVar aggregate classification (germline): Uncertain significance. Review status: criteria provided, multiple submitters, no conflicts (2 of 4 stars). 3 submissions from 3 submitters: Uncertain significance (3). Last evaluated 2025-08-14.

Conditions:
Inborn genetic diseases. Identifiers: MedGen C0950123, MeSH D030342.

Allele frequency attached by ClinVar (database versions not stated): gnomAD 0.00001; TOPMed 0.00001.
gnomAD v4.1: 2 of 1,613,902 alleles (0.00012%); highest among the groups gnomAD compares: Non-Finnish European, 0.00017%; no homozygotes.

Submissions (3):

GeneDx
Classification: Uncertain significance. Last evaluated: 2025-08-14. Review status: criteria provided, single submitter. Criteria: GeneDx Variant Classification Process June 2021. Collection method: clinical testing. Allele origin: germline.
Comment: Not observed at significant frequency in large population cohorts (gnomAD); In silico analysis suggests that this missense variant does not alter protein structure/function; Has not been previously published as pathogenic or benign to our knowledge

Ambry Genetics
Classification: Uncertain significance for Inborn genetic diseases. Last evaluated: 2024-02-17. Review status: criteria provided, single submitter. Criteria: Ambry Variant Classification Scheme 2023. Collection method: clinical testing. Allele origin: germline.

Labcorp Genetics (formerly Invitae), Labcorp
Classification: Uncertain significance. Last evaluated: 2022-07-19. Review status: criteria provided, single submitter. Criteria: Invitae Variant Classification Sherloc (09022015). Collection method: clinical testing. Allele origin: germline.
Comment: This sequence change replaces serine, which is neutral and polar, with proline, which is neutral and non-polar, at codon 1685 of the PCDH15 protein (p.Ser1685Pro). This variant is not present in population databases (gnomAD no frequency). This variant has not been reported in the literature in individuals affected with PCDH15-related conditions. Algorithms developed to predict the effect of missense changes on protein structure and function (SIFT, PolyPhen-2, Align-GVGD) all suggest that this variant is likely to be tolerated. In summary, the available evidence is currently insufficient to determine the role of this variant in disease. Therefore, it has been classified as a Variant of Uncertain Significance.

NM_033056.4(PCDH15):c.5053T>C (p.Ser1685Pro)

Gene: PCDH15 (protocadherin related 15; minus strand). Cytogenetic location: 10q21.1.
Variant type: single nucleotide variant.
Coding change: c.5053T>C on transcript NM_033056.4 (MANE Plus Clinical); coding-DNA position 5053, T replaced by C.
Protein change: p.Ser1685Pro; replaces serine 1685 with proline.
Molecular consequence: missense variant. On other transcripts: intron variant (8).
Genome position (GRCh38, 1-based): chr10:53,822,673, A>G on the plus strand (T>C on the coding strand, the complement: PCDH15 is on the minus strand). VCF-style: chr10-53822673-A-G. GRCh37 (hg19) VCF-style: chr10-55582433-A-G.
Other names: c.4368-2443T>C (NM_001384140.1); c.4373+2463T>C (NM_001142772.2, NM_001142770.3); c.4388+2463T>C (NM_001142771.2); c.4388+4720T>C (NM_001354411.2); c.4409+2463T>C (NM_001142769.3); c.4987T>C, p.Ser1663Pro (NM_001354404.2); c.4367+4720T>C (NM_001354420.2); c.4368-4660T>C (NM_001354429.2); and 7 more; short protein forms S1662P, S1663P, S1682P, S1616P, S1665P, S1687P, S1692P, S1645P.
Identifiers: ClinVar variation 2173997 (VCV002173997.4), dbSNP rs1436824357, ClinGen allele CA376525998.
Genomic context (GRCh38, chr10:53,822,673, plus strand): 5'-GCCTTGAAGGAGAAAGTTCCAAGGAACACTCAGCAGGAGAACTGATGACATTAGGTTCTG[A>G]TTTGAGTTCCACAGTTCTTGAAACAGTTGGCAAAGTGGAGAATGAGAAGTGAGGCCTGGG-3'
Protein context (NP_149045.3, residues 1675-1695): PTVSRTVELK[Ser1685Pro]EPNVISSPAE